The following is an entry in ClinVar:

NM_000051.4(ATM):c.1168G>T (p.Glu390Ter)

Gene: ATM (ATM serine/threonine kinase; plus strand). Cytogenetic location: 11q22.3.
Variant type: single nucleotide variant.
Coding change: c.1168G>T on transcript NM_000051.4 (MANE Select); coding-DNA position 1168, G replaced by T.
Protein change: p.Glu390Ter; replaces glutamic acid 390 with a stop codon.
Molecular consequence: nonsense.
Genome position (GRCh38, 1-based): chr11:108,249,035, G>T. VCF-style: chr11-108249035-G-T. GRCh37 (hg19) VCF-style: chr11-108119762-G-T.
Other names: c.1168G>T, p.Glu390Ter (NM_001351834.2); short protein forms E390*.
Identifiers: ClinVar variation 818476 (VCV000818476.11), dbSNP rs876660106, ClinGen allele CA382532521.

ClinVar aggregate classification (germline): Pathogenic. Review status: criteria provided, multiple submitters, no conflicts (2 of 4 stars). 3 submissions from 3 submitters: Pathogenic (3). Last evaluated 2024-10-09.

Conditions:
Hereditary cancer-predisposing syndrome. Also called: Hereditary Cancer Syndrome; Neoplastic Syndromes, Hereditary; Hereditary neoplastic syndrome; Tumor predisposition. Identifiers: Orphanet 140162, MedGen C0027672, MeSH D009386, MONDO:0015356.
Familial cancer of breast. Also called: Hereditary breast cancer; hereditary breast carcinoma; BREAST CANCER, FAMILIAL. Identifiers: Orphanet 227535, MedGen C0346153, MONDO:0016419, OMIM 114480. Disease mechanism: loss of function.
Ataxia-telangiectasia syndrome (AT). Also called: Cerebello-oculocutaneous telangiectasia; Immunodeficiency with ataxia telangiectasia; Ataxia-telangiectasia, complementation group E; Ataxia-telangiectasia, complementation group D; AT, COMPLEMENTATION GROUP C; ATAXIA-TELANGIECTASIA, COMPLEMENTATION GROUP A. Identifiers: Orphanet 100, MedGen C0004135, MONDO:0008840, OMIM 208900.

Submissions (3):

Labcorp Genetics (formerly Invitae), Labcorp
Classification: Pathogenic for Ataxia-telangiectasia syndrome. Last evaluated: 2024-10-09. Review status: criteria provided, single submitter. Criteria: Invitae Variant Classification Sherloc (09022015). Collection method: clinical testing. Allele origin: germline.
Comment: This sequence change creates a premature translational stop signal (p.Glu390*) in the ATM gene. It is expected to result in an absent or disrupted protein product. Loss-of-function variants in ATM are known to be pathogenic (PMID: 23807571, 25614872). This variant is not present in population databases (gnomAD no frequency). This variant has not been reported in the literature in individuals affected with ATM-related conditions. ClinVar contains an entry for this variant (Variation ID: 818476). Algorithms developed to predict the effect of sequence changes on RNA splicing suggest that this variant may disrupt the consensus splice site. For these reasons, this variant has been classified as Pathogenic.

Ambry Genetics
Classification: Pathogenic for Hereditary cancer-predisposing syndrome. Last evaluated: 2023-05-22. Review status: criteria provided, single submitter. Criteria: Ambry Variant Classification Scheme 2023. Collection method: clinical testing. Allele origin: germline.
Comment: The p.E390* pathogenic mutation (also known as c.1168G>T), located in coding exon 8 of the ATM gene, results from a G to T substitution at nucleotide position 1168. This changes the amino acid from a glutamic acid to a stop codon within coding exon 8. This variant is considered to be rare based on population cohorts in the Genome Aggregation Database (gnomAD). This alteration is expected to result in loss of function by premature protein truncation or nonsense-mediated mRNA decay. As such, this alteration is interpreted as a disease-causing mutation.

Myriad Genetics, Inc.
Classification: Pathogenic for Familial cancer of breast. Last evaluated: 2023-01-13. Review status: criteria provided, single submitter. Criteria: Myriad Autosomal Dominant, Autosomal Recessive and X-Linked Classification Criteria (2023). Collection method: clinical testing. Allele origin: unknown.
Comment: This variant is considered pathogenic. This variant creates a termination codon and is predicted to result in premature protein truncation.

Literature cited by the submitters: PubMed 23807571 (cited by Labcorp Genetics (formerly Invitae), Labcorp); PubMed 25614872 (cited by Labcorp Genetics (formerly Invitae), Labcorp).